The following is an entry in ClinVar:

NM_153240.5(NPHP3):c.2201T>G (p.Ile734Ser)

Genes: NPHP3-ACAD11 (NPHP3-ACAD11 readthrough (NMD candidate); minus strand), NPHP3 (nephrocystin 3; minus strand). Cytogenetic location: 3q22.1.
Variant type: single nucleotide variant.
Coding change: c.2201T>G on transcript NM_153240.5 (MANE Select); coding-DNA position 2201, T replaced by G.
Protein change: p.Ile734Ser; replaces isoleucine 734 with serine.
Molecular consequence: missense variant. On other transcripts: non-coding transcript variant (1).
Genome position (GRCh38, 1-based): chr3:132,694,936, A>C on the plus strand (T>G on the coding strand, the complement: NPHP3 is on the minus strand). VCF-style: chr3-132694936-A-C. GRCh37 (hg19) VCF-style: chr3-132413780-A-C.
Other names: c.2201T>G (NM_153240.4); short protein forms I734S.
Identifiers: ClinVar variation 1946478 (VCV001946478.6), dbSNP rs1228513298, ClinGen allele CA354581850.

ClinVar aggregate classification (germline): Uncertain significance. Review status: criteria provided, multiple submitters, no conflicts (2 of 4 stars). 3 submissions from 3 submitters: Uncertain significance (3). Last evaluated 2024-02-22.

Conditions:
Renal-hepatic-pancreatic dysplasia 1 (RHPD1). Identifiers: MedGen C3715199, MONDO:0008833, OMIM 208540.
NPHP3-related Meckel-like syndrome. Also called: Meckel syndrome type 7; GOLDSTON SYNDROME. Identifiers: Orphanet 3032, MedGen C2673885, MONDO:0009966, OMIM 267010.
Nephronophthisis 3 (NPHP3). Also called: Adolescent nephronophthisis. Identifiers: Orphanet 655, MedGen C1858392, MONDO:0011456, OMIM 604387.
Nephronophthisis. Also called: Juvenile Nephronophthisis. Identifiers: Orphanet 655, MedGen C0687120, MONDO:0019005, HP:0000090.
Inborn genetic diseases. Identifiers: MedGen C0950123, MeSH D030342.

Allele frequency attached by ClinVar (database versions not stated): gnomAD 0.00001; gnomAD exomes 0.00001; TOPMed 0.00001.
gnomAD v4.1: 13 of 1,613,808 alleles (0.00081%); highest among the groups gnomAD compares: Non-Finnish European, 0.0011%; no homozygotes.

Submissions (3):

Ambry Genetics
Classification: Uncertain significance for Inborn genetic diseases. Last evaluated: 2024-02-22. Review status: criteria provided, single submitter. Criteria: Ambry Variant Classification Scheme 2023. Collection method: clinical testing. Allele origin: germline.

Fulgent Genetics
Classification: Uncertain significance for Renal-hepatic-pancreatic dysplasia 1; NPHP3-related Meckel-like syndrome; Nephronophthisis 3. Last evaluated: 2024-01-01. Review status: criteria provided, single submitter. Criteria: ACMG Guidelines, 2015. Collection method: clinical testing. Allele origin: germline.

Labcorp Genetics (formerly Invitae), Labcorp
Classification: Uncertain significance for Nephronophthisis. Last evaluated: 2022-03-17. Review status: criteria provided, single submitter. Criteria: Invitae Variant Classification Sherloc (09022015). Collection method: clinical testing. Allele origin: germline.
Comment: In summary, the available evidence is currently insufficient to determine the role of this variant in disease. Therefore, it has been classified as a Variant of Uncertain Significance. Algorithms developed to predict the effect of missense changes on protein structure and function (SIFT, PolyPhen-2, Align-GVGD) all suggest that this variant is likely to be tolerated. This variant has not been reported in the literature in individuals affected with NPHP3-related conditions. This variant is present in population databases (no rsID available, gnomAD 0.002%). This sequence change replaces isoleucine, which is neutral and non-polar, with serine, which is neutral and polar, at codon 734 of the NPHP3 protein (p.Ile734Ser).